The following is an entry in ClinVar:

NM_017802.4(DNAAF5):c.207C>A (p.Phe69Leu)

Genes: DNAAF5 (dynein axonemal assembly factor 5; plus strand), PRKAR1B (protein kinase cAMP-dependent type I regulatory subunit beta; minus strand), LOC129997730 (ATAC-STARR-seq lymphoblastoid silent region 17816; plus strand). Cytogenetic location: 7p22.3.
Variant type: single nucleotide variant.
Coding change: c.207C>A on transcript NM_017802.4 (MANE Select); coding-DNA position 207, C replaced by A.
Protein change: p.Phe69Leu; replaces phenylalanine 69 with leucine.
Molecular consequence: missense variant. On other transcripts: intron variant (3), non-coding transcript variant (1).
Genome position (GRCh38, 1-based): chr7:726,927, C>A. VCF-style: chr7-726927-C-A. GRCh37 (hg19) VCF-style: chr7-766564-C-A.
Other names: c.-23+728G>T (NM_001164759.1); c.-23+663G>T (NM_001164758.2); c.-23+283G>T (NM_001164760.2); short protein forms F69L.
Identifiers: ClinVar variation 4753783 (VCV004753783.1).

ClinVar aggregate classification (germline): Uncertain significance (1 of 4 stars; one submission).

Conditions:
Primary ciliary dyskinesia. Also called: Ciliary dyskinesia. Identifiers: Orphanet 244, MedGen C0008780, MONDO:0016575, HP:0012265.

Submission:

Labcorp Genetics (formerly Invitae), Labcorp
Classification: Uncertain significance for Primary ciliary dyskinesia. Last evaluated: 2025-08-24. Review status: criteria provided, single submitter. Criteria: Invitae Variant Classification Sherloc (09022015). Collection method: clinical testing. Allele origin: germline.
Comment: This sequence change replaces phenylalanine, which is neutral and non-polar, with leucine, which is neutral and non-polar, at codon 69 of the DNAAF5 protein (p.Phe69Leu). This variant is not present in population databases (gnomAD no frequency). This variant has not been reported in the literature in individuals affected with DNAAF5-related conditions. Invitae Evidence Modeling of protein sequence and biophysical properties (such as structural, functional, and spatial information, amino acid conservation, physicochemical variation, residue mobility, and thermodynamic stability) indicates that this missense variant is not expected to disrupt DNAAF5 protein function with a negative predictive value of 80%. In summary, the available evidence is currently insufficient to determine the role of this variant in disease. Therefore, it has been classified as a Variant of Uncertain Significance.